The following is an entry in ClinVar:

NM_000135.4(FANCA):c.2749C>T (p.Arg917Ter)

Gene: FANCA (FA complementation group A; minus strand). Cytogenetic location: 16q24.3.
Variant type: single nucleotide variant.
Coding change: c.2749C>T on transcript NM_000135.4 (MANE Select); coding-DNA position 2749, C replaced by T.
Protein change: p.Arg917Ter; replaces arginine 917 with a stop codon.
Molecular consequence: nonsense.
Genome position (GRCh38, 1-based): chr16:89,764,919, G>A on the plus strand (C>T on the coding strand, the complement: FANCA is on the minus strand). VCF-style: chr16-89764919-G-A. GRCh37 (hg19) VCF-style: chr16-89831327-G-A.
Other names: c.2749C>T (LRG_495t1, NM_000135.3); c.2749C>T, p.Arg917Ter (NM_001286167.3); short protein forms R917*.
Identifiers: ClinVar variation 408188 (VCV000408188.56), dbSNP rs1060501880, ClinGen allele CA16615452.

ClinVar aggregate classification (germline): Pathogenic. Review status: criteria provided, multiple submitters, no conflicts (2 of 4 stars). 5 submissions from 5 submitters: Pathogenic (5). Last evaluated 2025-04-11.

Conditions:
Fanconi anemia (FA). Also called: Fanconi's anemia. Identifiers: Orphanet 84, MedGen C0015625, MeSH D005199, MONDO:0019391.
Fanconi anemia complementation group A (FANCA). Also called: FANCA-Related Fanconi Anemia; Fanconi anemia, group A. Identifiers: Orphanet 84, MedGen C3469521, MONDO:0009215, OMIM 227650.

Submissions (5):

Natera, Inc.
Classification: Pathogenic for Fanconi anemia. Last evaluated: 2025-04-11. Review status: criteria provided, single submitter. Criteria: Natera Variant Classification Schema (03/2026). Collection method: clinical testing. Allele origin: germline.
Comment: The c.2749C>T variant in FANCA is a nonsense variant predicted to introduce a stop codon at amino acid 917. This variant is expected to result in nonsense mediated decay, truncation, or a dysfunctional protein product. This variant is rare in the general population with a frequency below the threshold expected for the associated phenotype(s). This variant has been observed in one or more individuals affected with the associated recessive disease, as either homozygous or compound heterozygous with a second variant (PMID: 33960719, 26799702). Given the available evidence, this variant is classified as Pathogenic.

Labcorp Genetics (formerly Invitae), Labcorp
Classification: Pathogenic for Fanconi anemia. Last evaluated: 2024-08-27. Review status: criteria provided, single submitter. Criteria: Invitae Variant Classification Sherloc (09022015). Collection method: clinical testing. Allele origin: germline.
Comment: This sequence change creates a premature translational stop signal (p.Arg917*) in the FANCA gene. It is expected to result in an absent or disrupted protein product. Loss-of-function variants in FANCA are known to be pathogenic (PMID: 19367192). This variant is not present in population databases (gnomAD no frequency). This premature translational stop signal has been observed in individuals with Fanconi anemia (PMID: 26799702, 29098742). ClinVar contains an entry for this variant (Variation ID: 408188). Algorithms developed to predict the effect of sequence changes on RNA splicing suggest that this variant may disrupt the consensus splice site. For these reasons, this variant has been classified as Pathogenic.

Baylor Genetics
Classification: Pathogenic for Fanconi anemia complementation group A. Last evaluated: 2023-11-15. Review status: criteria provided, single submitter. Criteria: ACMG Guidelines, 2015. Collection method: clinical testing. Allele origin: unknown.

Institute of Human Genetics, Cologne University
Classification: Pathogenic for Fanconi anemia complementation group A. Last evaluated: 2022-12-22. Review status: criteria provided, single submitter. Criteria: ACMG Guidelines, 2015. Collection method: clinical testing. Allele origin: paternal.

CeGaT Center for Human Genetics Tuebingen
Classification: Pathogenic. Last evaluated: 2019-08-01. Review status: criteria provided, single submitter. Criteria: CeGaT Center For Human Genetics Tuebingen Variant Classification Criteria Version 2. Collection method: clinical testing. Allele origin: germline. Affected: yes. Observed: 3 variant alleles.

Literature cited by the submitters: PubMed 33960719 (cited by Natera, Inc.); PubMed 26799702 (cited by Natera, Inc. and Labcorp Genetics (formerly Invitae), Labcorp); PubMed 19367192 (cited by Labcorp Genetics (formerly Invitae), Labcorp); PubMed 29098742 (cited by Labcorp Genetics (formerly Invitae), Labcorp).